The following is an entry in ClinVar:

NM_206933.4(USH2A):c.10517del (p.Thr3506fs)

Gene: USH2A (usherin; minus strand). Cytogenetic location: 1q41.
Variant type: Deletion.
Coding change: c.10517del on transcript NM_206933.4 (MANE Select); coding-DNA position 10517, one base deleted (C; older notation c.10517delC).
Protein change: p.Thr3506fs; shifts the reading frame from threonine 3506.
Molecular consequence: frameshift variant.
Genome position (GRCh38, 1-based): chr1:215,782,806, G deleted on the plus strand (C on the coding strand, the reverse complement: USH2A is on the minus strand). VCF-style (leftmost placement, unchanged base first): chr1-215782805-CG-C. GRCh37 (hg19) VCF-style: chr1-215956147-CG-C.
Other names: short protein forms T3506fs.
Identifiers: ClinVar variation 5003630 (VCV005003630.1).

ClinVar aggregate classification (germline): Pathogenic (1 of 4 stars; one submission).

Conditions:
USH2A-related disorder. Also called: USH2A-related disorders; USH2A-related condition. Identifiers: MedGen CN239332.

Submission:

Myriad Genetics, Inc.
Classification: Pathogenic for USH2A-related disorder. Last evaluated: 2025-10-23. Review status: criteria provided, single submitter. Criteria: Myriad Autosomal Dominant, Autosomal Recessive and X-Linked Classification Criteria (2023). Collection method: clinical testing. Allele origin: unknown.
Comment: NM_206933.2(USH2A):c.10517delC(T3506Sfs*5) is a frameshift variant classified as pathogenic in the context of USH2A-related disorders. T3506Sfs*5 has not been observed in cases with relevant disease. Relevant functional assessments of this variant are not available in the literature. T3506Sfs*5 has not been observed in referenced population frequency databases. In summary, NM_206933.2(USH2A):c.10517delC(T3506Sfs*5) is a frameshift variant in a gene where loss of function is a known mechanism of disease and is predicted to disrupt protein function. Please note: this variant was assessed in the context of healthy population screening.